The following is an entry in ClinVar:

ClinVar aggregate classification (germline): Uncertain significance (1 of 4 stars; one submission).

Conditions:
Cardiovascular phenotype. Identifiers: MedGen CN230736.

Submission:

Ambry Genetics
Classification: Uncertain significance for Cardiovascular phenotype. Last evaluated: 2024-09-05. Review status: criteria provided, single submitter. Criteria: Ambry Variant Classification Scheme 2023. Collection method: clinical testing. Allele origin: germline.
Comment: The c.1161_1162delCCinsAG variant, located in coding exon 10 of the RAF1 gene, results from an in-frame deletion of CC and insertion of AG at nucleotide positions 1161 to 1162. This results in the substitution of the residues at codons 387 to 388. This amino acid positions are well conserved in available vertebrate species. In addition, this alteration is predicted to be neutral by in silico analysis (Choi Y et al. PLoS ONE. 2012; 7(10):e46688). Based on the available evidence, the clinical significance of this variant remains unclear.

NM_002880.4(RAF1):c.1161_1162delinsAG (p.Phe387_Gln388delinsLeuGlu)

Gene: RAF1 (Raf-1 proto-oncogene, serine/threonine kinase; minus strand). Cytogenetic location: 3p25.2.
Variant type: Indel.
Coding change: c.1161_1162delinsAG on transcript NM_002880.4 (MANE Select); coding-DNA positions 1161 to 1162, CC replaced by AG.
Protein change: p.Phe387_Gln388delinsLeuGlu.
Molecular consequence: missense variant. On other transcripts: non-coding transcript variant (3).
Genome position (GRCh38, 1-based): chr3:12,591,739-12,591,740, GG replaced by CT on the plus strand (CC replaced by AG on the coding strand, the reverse complement: RAF1 is on the minus strand). VCF-style: chr3-12591739-GG-CT. GRCh37 (hg19) VCF-style: chr3-12633238-GG-CT.
Other names: c.1221_1222delinsAG, p.Phe407_Gln408delinsLeuGlu (NM_001354689.3); c.1161_1162delinsAG, p.Phe387_Gln388delinsLeuGlu (NM_001354690.3); c.918_919delinsAG, p.Phe306_Gln307delinsLeuGlu (NM_001354691.3, NM_001354692.3); c.1062_1063delinsAG, p.Phe354_Gln355delinsLeuGlu (NM_001354693.3); c.978_979delinsAG, p.Phe326_Gln327delinsLeuGlu (NM_001354694.3); c.819_820delinsAG, p.Phe273_Gln274delinsLeuGlu (NM_001354695.3).
Identifiers: ClinVar variation 3429936 (VCV003429936.1).
Genomic context (GRCh38, chr3:12,591,739, plus strand): 5'-AGGGACTGGACCGCCAGCTTTCTACTCACCGCAGAACAGCCACCTCATTCCTGAAGGCCT[GG>CT]AATTGCTCTGGGGTTGGGTCGACAACCTTTAGGATCTTTACTGCAACATCTCCTGCAAAA-3'